The following is an entry in ClinVar:

ClinVar aggregate classification (germline): Likely benign (0 of 4 stars; one submission).

Conditions:
HDLBP-related disorder. Also called: HDLBP-related condition.

Allele frequency attached by ClinVar (database versions not stated): ESP Exome Variant Server 0.00008; 1000 Genomes Project 30x 0.00047; 1000 Genomes Project 0.00060.
gnomAD v4.1: 96 of 1,614,168 alleles (0.0059%); highest among the groups gnomAD compares: African/African-American, 0.12%; 1 homozygote.

Submission:

PreventionGenetics, part of Exact Sciences
Classification: Likely benign for HDLBP-related condition. Last evaluated: 2019-07-12. Review status: no assertion criteria provided. Collection method: clinical testing. Allele origin: germline.
Comment: This variant is classified as likely benign based on ACMG/AMP sequence variant interpretation guidelines (Richards et al. 2015 PMID: 25741868, with internal and published modifications).

NM_005336.6(HDLBP):c.2106C>T (p.Ile702=)

Gene: HDLBP (high density lipoprotein binding protein; minus strand). Cytogenetic location: 2q37.3.
Variant type: single nucleotide variant.
Coding change: c.2106C>T on transcript NM_005336.6 (MANE Select); coding-DNA position 2106, C replaced by T.
Protein change: p.Ile702=; no amino-acid change (isoleucine 702 retained).
Molecular consequence: synonymous variant.
Genome position (GRCh38, 1-based): chr2:241,242,523, G>A on the plus strand (C>T on the coding strand, the complement: HDLBP is on the minus strand). VCF-style: chr2-241242523-G-A. GRCh37 (hg19) VCF-style: chr2-242181938-G-A.
Other names: c.2007C>T, p.Ile669= (NM_001243900.3); c.2106C>T, p.Ile702= (NM_001320965.3, NM_001320966.3, NM_001320967.3 and 1 more transcripts).
Identifiers: ClinVar variation 3038779 (VCV003038779.2), dbSNP rs146439982, ClinGen allele CA2216456.